The following is an entry in ClinVar:

NM_005506.4(SCARB2):c.223A>T (p.Ile75Phe)

Gene: SCARB2 (scavenger receptor class B member 2; minus strand). Cytogenetic location: 4q21.1.
Variant type: single nucleotide variant.
Coding change: c.223A>T on transcript NM_005506.4 (MANE Select); coding-DNA position 223, A replaced by T.
Protein change: p.Ile75Phe; replaces isoleucine 75 with phenylalanine.
Molecular consequence: missense variant.
Genome position (GRCh38, 1-based): chr4:76,195,759, T>A on the plus strand (A>T on the coding strand, the complement: SCARB2 is on the minus strand). VCF-style: chr4-76195759-T-A. GRCh37 (hg19) VCF-style: chr4-77116912-T-A.
Other names: c.223A>T, p.Ile75Phe (NM_001204255.2); short protein forms I75F.
Identifiers: ClinVar variation 579188 (VCV000579188.9), dbSNP rs1560716099, ClinGen allele CA357327533.
Genomic context (GRCh38, chr4:76,195,759, plus strand): 5'-AGACTTACCTGTAGGTGTATGGCCCCACTTCTTCCACCCGAGGGGTCTCCCCTCTGAGGA[T>A]CTCCTCTGGATTGGTGACATTGAAGAAATAGAACTGAGTATACACAGGCAGAGGGGGCTT-3'
Protein context (NP_005497.1, residues 65-85): YFFNVTNPEE[Ile75Phe]LRGETPRVEE

ClinVar aggregate classification (germline): Uncertain significance. Review status: criteria provided, multiple submitters, no conflicts (2 of 4 stars). 2 submissions from 2 submitters: Uncertain significance (2). Last evaluated 2022-11-30.

Conditions:
Inborn genetic diseases. Identifiers: MedGen C0950123, MeSH D030342.
Progressive myoclonic epilepsy. Also called: Familial progressive myoclonic epilepsy; Myoclonic Epilepsies, Progressive; Progressive myoclonus epilepsy; Myoclonus epilepsy. Identifiers: Orphanet 308, Orphanet 98261, MedGen C0751778, MONDO:0020074.

Allele frequency attached by ClinVar (database versions not stated): gnomAD exomes below 0.00001 and 0.00001.
gnomAD v4.1: 4 of 1,613,966 alleles (0.00025%); highest among the groups gnomAD compares: Non-Finnish European, 0.00034%; no homozygotes.

Submissions (2):

Ambry Genetics
Classification: Uncertain significance for Inborn genetic diseases. Last evaluated: 2022-11-30. Review status: criteria provided, single submitter. Criteria: Ambry Variant Classification Scheme 2023. Collection method: clinical testing. Allele origin: germline.

Labcorp Genetics (formerly Invitae), Labcorp
Classification: Uncertain significance for Progressive myoclonic epilepsy. Last evaluated: 2022-07-25. Review status: criteria provided, single submitter. Criteria: Invitae Variant Classification Sherloc (09022015). Collection method: clinical testing. Allele origin: germline.
Comment: In summary, the available evidence is currently insufficient to determine the role of this variant in disease. Therefore, it has been classified as a Variant of Uncertain Significance. Algorithms developed to predict the effect of missense changes on protein structure and function (SIFT, PolyPhen-2, Align-GVGD) all suggest that this variant is likely to be tolerated. ClinVar contains an entry for this variant (Variation ID: 579188). This variant has not been reported in the literature in individuals affected with SCARB2-related conditions. This variant is not present in population databases (gnomAD no frequency). This sequence change replaces isoleucine, which is neutral and non-polar, with phenylalanine, which is neutral and non-polar, at codon 75 of the SCARB2 protein (p.Ile75Phe).